The following is an entry in ClinVar:

ClinVar aggregate classification (germline): Uncertain significance (1 of 4 stars; one submission).

Submission:

GeneDx
Classification: Uncertain significance. Last evaluated: 2023-06-26. Review status: criteria provided, single submitter. Criteria: GeneDx Variant Classification Process June 2021. Collection method: clinical testing. Allele origin: germline. Affected: yes.
Comment: Not observed at significant frequency in large population cohorts (gnomAD); In silico analysis is inconclusive as to whether the variant alters gene splicing. In the absence of RNA/functional studies, the actual effect of this sequence change is unknown.; Has not been previously published as pathogenic or benign to our knowledge

NM_001080449.3(DNA2):c.940-3C>G

Gene: DNA2 (DNA replication helicase/nuclease 2; minus strand). Cytogenetic location: 10q21.3.
Variant type: single nucleotide variant.
Coding change: c.940-3C>G on transcript NM_001080449.3 (MANE Select); 3 bases into the intron before coding-DNA position 940, C replaced by G.
Molecular consequence: intron variant.
Genome position (GRCh38, 1-based): chr10:68,446,416, G>C on the plus strand (C>G on the coding strand, the complement: DNA2 is on the minus strand). VCF-style: chr10-68446416-G-C. GRCh37 (hg19) VCF-style: chr10-70206173-G-C.
Identifiers: ClinVar variation 3360324 (VCV003360324.1).